The following is an entry in ClinVar:

NM_152594.3(SPRED1):c.481A>G (p.Thr161Ala)

Gene: SPRED1 (sprouty related EVH1 domain containing 1; plus strand). Cytogenetic location: 15q14.
Variant type: single nucleotide variant.
Coding change: c.481A>G on transcript NM_152594.3 (MANE Select); coding-DNA position 481, A replaced by G.
Protein change: p.Thr161Ala; replaces threonine 161 with alanine.
Molecular consequence: missense variant.
Genome position (GRCh38, 1-based): chr15:38,339,794, A>G. VCF-style: chr15-38339794-A-G. GRCh37 (hg19) VCF-style: chr15-38631995-A-G.
Other names: short protein forms T161A.
Identifiers: ClinVar variation 3961407 (VCV003961407.1).
Genomic context (GRCh38, chr15:38,339,794, plus strand): 5'-TAGGCAAATGAAGAGGATTCTTCCAGTTCTCTAGTGAAGGATCACCTTTTTCAGCAAGAG[A>G]CAGTTGTTACCAGTGAGCCTTATAGAAGCTCAAATATAAGACCTTCTCCCTTTGAAGATC-3'
Protein context (NP_689807.1, residues 151-171): LVKDHLFQQE[Thr161Ala]VVTSEPYRSS

ClinVar aggregate classification (germline): Uncertain significance (1 of 4 stars; one submission).

Conditions:
Cardiovascular phenotype. Identifiers: MedGen CN230736.

Submission:

Ambry Genetics
Classification: Uncertain significance for Cardiovascular phenotype. Last evaluated: 2025-05-31. Review status: criteria provided, single submitter. Criteria: Ambry Variant Classification Scheme 2023. Collection method: clinical testing. Allele origin: germline.
Comment: The p.T161A variant (also known as c.481A>G), located in coding exon 5 of the SPRED1 gene, results from an A to G substitution at nucleotide position 481. The threonine at codon 161 is replaced by alanine, an amino acid with similar properties. This amino acid position is conserved. In addition, this alteration is predicted to be tolerated by in silico analysis. Based on the available evidence, the clinical significance of this variant remains unclear.